The following is an entry in ClinVar:

NM_001232.4(CASQ2):c.808A>C (p.Ile270Leu)

Gene: CASQ2 (calsequestrin 2; minus strand). Cytogenetic location: 1p13.1.
Variant type: single nucleotide variant.
Coding change: c.808A>C on transcript NM_001232.4 (MANE Select); coding-DNA position 808, A replaced by C.
Protein change: p.Ile270Leu; replaces isoleucine 270 with leucine.
Molecular consequence: missense variant.
Genome position (GRCh38, 1-based): chr1:115,717,870, T>G on the plus strand (A>C on the coding strand, the complement: CASQ2 is on the minus strand). VCF-style: chr1-115717870-T-G. GRCh37 (hg19) VCF-style: chr1-116260491-T-G.
Other names: short protein forms I270L.
Identifiers: ClinVar variation 1761925 (VCV001761925.2), dbSNP rs1347814375, ClinGen allele CA341767868.
Genomic context (GRCh38, chr1:115,717,870, plus strand): 5'-CTGTAAAAGAGCAGGTTGAAGGTTTCCTACCTGGATCACTCTTCTCTGCAAAGGCCACAA[T>G]GTGGATCCCATTCAAATCATCTTCCTGTATGAGAAAAGTAACAAAAGTTACACTTCCAGC-3'
Protein context (NP_001223.2, residues 260-280): TWEDDLNGIH[Ile270Leu]VAFAEKSDPD

ClinVar aggregate classification (germline): Uncertain significance (1 of 4 stars; one submission).

Conditions:
Cardiovascular phenotype. Identifiers: MedGen CN230736.

Allele frequency attached by ClinVar (database versions not stated): gnomAD 0.00001.
gnomAD v4.1: 2 of 1,611,304 alleles (0.00012%); highest among the groups gnomAD compares: Non-Finnish European, 0.00017%; no homozygotes.

Submission:

Ambry Genetics
Classification: Uncertain significance for Cardiovascular phenotype. Last evaluated: 2023-10-17. Review status: criteria provided, single submitter. Criteria: Ambry Variant Classification Scheme 2023. Collection method: clinical testing. Allele origin: germline.
Comment: The p.I270L variant (also known as c.808A>C), located in coding exon 8 of the CASQ2 gene, results from an A to C substitution at nucleotide position 808. The isoleucine at codon 270 is replaced by leucine, an amino acid with highly similar properties. This amino acid position is highly conserved in available vertebrate species. In addition, the in silico prediction for this alteration is inconclusive. Since supporting evidence is limited at this time, the clinical significance of this alteration remains unclear.